The following is an entry in ClinVar:

NM_177438.3(DICER1):c.3968T>G (p.Leu1323Ter)

Gene: DICER1 (dicer 1, ribonuclease III; minus strand). Cytogenetic location: 14q32.13.
Variant type: single nucleotide variant.
Coding change: c.3968T>G on transcript NM_177438.3 (MANE Select); coding-DNA position 3968, T replaced by G.
Protein change: p.Leu1323Ter; replaces leucine 1323 with a stop codon.
Molecular consequence: nonsense.
Genome position (GRCh38, 1-based): chr14:95,103,428, A>C on the plus strand (T>G on the coding strand, the complement: DICER1 is on the minus strand). VCF-style: chr14-95103428-A-C. GRCh37 (hg19) VCF-style: chr14-95569765-A-C.
Other names: c.3968T>G, p.Leu1323Ter (NM_001195573.1, NM_001271282.3, NM_001291628.2 and 1 more transcripts); short protein forms L1323*.
Identifiers: ClinVar variation 1454312 (VCV001454312.7), dbSNP rs2139955381, ClinGen allele CA390873060.
Genomic context (GRCh38, chr14:95,103,428, plus strand): 5'-AGGCGGCCCTCATGCGCATCAGGGTAAGTGCAAAATAGATATGTGGTGATGGCATGCTTT[A>C]AAAAGGAGTCGCCAAGCATTTCAAGCCGCTCCAGGTTAAATCCATCACTAGCGTTTGACA-3'

ClinVar aggregate classification (germline): Pathogenic (1 of 4 stars; one submission).

Conditions:
DICER1-related tumor predisposition. Also called: DICER1 syndrome; DICER1-related pleuropulmonary blastoma cancer predisposition syndrome. Identifiers: Orphanet 284343, MedGen C3839822, MONDO:0100216.

Submission:

Labcorp Genetics (formerly Invitae), Labcorp
Classification: Pathogenic for DICER1-related tumor predisposition. Last evaluated: 2025-11-11. Review status: criteria provided, single submitter. Criteria: Invitae Variant Classification Sherloc (09022015). Collection method: clinical testing. Allele origin: germline.
Comment: This sequence change creates a premature translational stop signal (p.Leu1323*) in the DICER1 gene. It is expected to result in an absent or disrupted protein product. Loss-of-function variants in DICER1 are known to be pathogenic (PMID: 19556464, 21266384). This variant is not present in population databases (gnomAD no frequency). This variant has not been reported in the literature in individuals affected with DICER1-related conditions. ClinVar contains an entry for this variant (Variation ID: 1454312). For these reasons, this variant has been classified as Pathogenic.

Literature cited by the submitters: PubMed 19556464; PubMed 21266384.